The following is an entry in ClinVar:

ClinVar aggregate classification (germline): Uncertain significance (1 of 4 stars; one submission).

gnomAD v4.1: 1 of 1,614,110 alleles (0.000062%); highest among the groups gnomAD compares: Non-Finnish European, 0.000085%; no homozygotes.

Submission:

Labcorp Genetics (formerly Invitae), Labcorp
Classification: Uncertain significance. Last evaluated: 2024-05-10. Review status: criteria provided, single submitter. Criteria: Invitae Variant Classification Sherloc (09022015). Collection method: clinical testing. Allele origin: germline.
Comment: This sequence change replaces leucine, which is neutral and non-polar, with methionine, which is neutral and non-polar, at codon 55 of the TBX20 protein (p.Leu55Met). This variant is not present in population databases (gnomAD no frequency). This variant has not been reported in the literature in individuals affected with TBX20-related conditions. An algorithm developed to predict the effect of missense changes on protein structure and function (PolyPhen-2) suggests that this variant is likely to be tolerated. In summary, the available evidence is currently insufficient to determine the role of this variant in disease. Therefore, it has been classified as a Variant of Uncertain Significance.

NM_001077653.2(TBX20):c.163C>A (p.Leu55Met)

Gene: TBX20 (T-box transcription factor 20; minus strand). Cytogenetic location: 7p14.2.
Variant type: single nucleotide variant.
Coding change: c.163C>A on transcript NM_001077653.2 (MANE Select); coding-DNA position 163, C replaced by A.
Protein change: p.Leu55Met; replaces leucine 55 with methionine.
Molecular consequence: missense variant.
Genome position (GRCh38, 1-based): chr7:35,250,168, G>T on the plus strand (C>A on the coding strand, the complement: TBX20 is on the minus strand). VCF-style: chr7-35250168-G-T. GRCh37 (hg19) VCF-style: chr7-35289780-G-T.
Other names: c.163C>A, p.Leu55Met (NM_001166220.1); short protein forms L55M.
Identifiers: ClinVar variation 3652908 (VCV003652908.2).
Genomic context (GRCh38, chr7:35,250,168, plus strand): 5'-GGCTGCTGCCACTGCCTCCACCAAACTCCCCATGAGCATCCAGGCTGGTCAGCTCACCCA[G>T]GGGCTGGGCACAGGACGACTTCTCCACAAATTGCTCTGGAGGTAAAGAGAATTGTGAATG-3'
Protein context (NP_001071121.1, residues 45-65): FVEKSSCAQP[Leu55Met]GELTSLDAHG